The following is an entry in ClinVar:

NM_004281.4(BAG3):c.782G>C (p.Arg261Pro)

Gene: BAG3 (BAG cochaperone 3; plus strand). Cytogenetic location: 10q26.11.
Variant type: single nucleotide variant.
Coding change: c.782G>C on transcript NM_004281.4 (MANE Select); coding-DNA position 782, G replaced by C.
Protein change: p.Arg261Pro; replaces arginine 261 with proline.
Molecular consequence: missense variant.
Genome position (GRCh38, 1-based): chr10:119,672,529, G>C. VCF-style: chr10-119672529-G-C. GRCh37 (hg19) VCF-style: chr10-121432041-G-C.
Other names: short protein forms R261P.
Identifiers: ClinVar variation 1017959 (VCV001017959.13), dbSNP rs746454994, ClinGen allele CA378295792.

ClinVar aggregate classification (germline): Uncertain significance. Review status: criteria provided, multiple submitters, no conflicts (2 of 4 stars). 4 submissions from 4 submitters: Uncertain significance (4). Last evaluated 2025-10-23.

Conditions:
Cardiovascular phenotype. Identifiers: MedGen CN230736.
Dilated cardiomyopathy 1HH (CMD1HH). Identifiers: Orphanet 154, MedGen C3151293, MONDO:0013479, OMIM 613881.
Myofibrillar myopathy 6. Identifiers: Orphanet 199340, MedGen C2751831, MONDO:0013061, OMIM 612954.

Allele frequency attached by ClinVar (database versions not stated): TOPMed 0.00001.
gnomAD v4.1: 5 of 1,613,764 alleles (0.00031%); highest among the groups gnomAD compares: Non-Finnish European, 0.00034%; no homozygotes.

Submissions (4):

Labcorp Genetics (formerly Invitae), Labcorp
Classification: Uncertain significance for Dilated cardiomyopathy 1HH; Myofibrillar myopathy 6. Last evaluated: 2025-10-23. Review status: criteria provided, single submitter. Criteria: Invitae Variant Classification Sherloc (09022015). Collection method: clinical testing. Allele origin: germline.
Comment: This sequence change replaces arginine, which is basic and polar, with proline, which is neutral and non-polar, at codon 261 of the BAG3 protein (p.Arg261Pro). This variant is present in population databases (no rsID available, gnomAD 0.0009%). This variant has not been reported in the literature in individuals affected with BAG3-related conditions. ClinVar contains an entry for this variant (Variation ID: 1017959). Invitae Evidence Modeling of protein sequence and biophysical properties (such as structural, functional, and spatial information, amino acid conservation, physicochemical variation, residue mobility, and thermodynamic stability) indicates that this missense variant is not expected to disrupt BAG3 protein function with a negative predictive value of 80%. In summary, the available evidence is currently insufficient to determine the role of this variant in disease. Therefore, it has been classified as a Variant of Uncertain Significance.

GeneDx
Classification: Uncertain significance. Last evaluated: 2025-03-16. Review status: criteria provided, single submitter. Criteria: GeneDx Variant Classification Process June 2021. Collection method: clinical testing. Allele origin: germline. Affected: yes.
Comment: In silico analysis supports that this missense variant has a deleterious effect on protein structure/function; Has not been previously published as pathogenic or benign to our knowledge

Revvity Omics, Revvity
Classification: Uncertain significance. Last evaluated: 2025-02-25. Review status: criteria provided, single submitter. Criteria: ACMG Guidelines, 2015. Collection method: clinical testing. Allele origin: germline.

Ambry Genetics
Classification: Uncertain significance for Cardiovascular phenotype. Last evaluated: 2021-02-18. Review status: criteria provided, single submitter. Criteria: Ambry Variant Classification Scheme 2023. Collection method: clinical testing. Allele origin: germline.
Comment: The p.R261P variant (also known as c.782G>C), located in coding exon 3 of the BAG3 gene, results from a G to C substitution at nucleotide position 782. The arginine at codon 261 is replaced by proline, an amino acid with dissimilar properties. This amino acid position is not well conserved in available vertebrate species, and proline is the reference amino acid in other vertebrate species. In addition, this alteration is predicted to be tolerated by in silico analysis. Since supporting evidence is limited at this time, the clinical significance of this alteration remains unclear.